The following is an entry in ClinVar:

ClinVar aggregate classification (germline): Uncertain significance (1 of 4 stars; one submission).

Conditions:
Cardiovascular phenotype. Identifiers: MedGen CN230736.

Allele frequency attached by ClinVar (database versions not stated): gnomAD 0.00001; TOPMed 0.00002.
gnomAD v4.1: 23 of 1,613,500 alleles (0.0014%); highest among the groups gnomAD compares: Non-Finnish European, 0.0019%; no homozygotes.

Submission:

Ambry Genetics
Classification: Uncertain significance for Cardiovascular phenotype. Last evaluated: 2019-06-28. Review status: criteria provided, single submitter. Criteria: Ambry Variant Classification Scheme 2023. Collection method: clinical testing. Allele origin: germline.
Comment: The p.V18667M variant (also known as c.55999G>A), located in coding exon 153 of the TTN gene, results from a G to A substitution at nucleotide position 55999. The valine at codon 18667 is replaced by methionine, an amino acid with highly similar properties. This amino acid position is well conserved in available vertebrate species. In addition, this alteration is predicted to be tolerated by in silico analysis. Since supporting evidence is limited at this time, the clinical significance of this alteration remains unclear.

NM_001267550.2(TTN):c.83194G>A (p.Val27732Met)

Genes: TTN (titin; minus strand), TTN-AS1 (TTN antisense RNA 1; plus strand). Cytogenetic location: 2q31.2.
Variant type: single nucleotide variant.
Coding change: c.83194G>A on transcript NM_001267550.2 (MANE Select); coding-DNA position 83194, G replaced by A.
Protein change: p.Val27732Met; replaces valine 27732 with methionine.
Molecular consequence: missense variant.
Genome position (GRCh38, 1-based): chr2:178,562,938, C>T on the plus strand (G>A on the coding strand, the complement: TTN is on the minus strand). VCF-style: chr2-178562938-C-T. GRCh37 (hg19) VCF-style: chr2-179427665-C-T.
Other names: c.78271G>A, p.Val26091Met (NM_001256850.1); c.55999G>A, p.Val18667Met (NM_003319.4); c.75490G>A, p.Val25164Met (NM_133378.4); c.56374G>A, p.Val18792Met (NM_133432.3); c.56575G>A, p.Val18859Met (NM_133437.4); short protein forms V18859M, V18792M, V18667M, V25164M, V27732M, V26091M.
Identifiers: ClinVar variation 1748519 (VCV001748519.2), dbSNP rs1332933880, ClinGen allele CA349568932.